The following is an entry in ClinVar:

NM_001079802.2(FKTN):c.869A>T (p.Lys290Ile)

Gene: FKTN (fukutin; plus strand). Cytogenetic location: 9q31.2.
Variant type: single nucleotide variant.
Coding change: c.869A>T on transcript NM_001079802.2 (MANE Select); coding-DNA position 869, A replaced by T.
Protein change: p.Lys290Ile; replaces lysine 290 with isoleucine.
Molecular consequence: missense variant. On other transcripts: non-coding transcript variant (1).
Genome position (GRCh38, 1-based): chr9:105,615,366, A>T. VCF-style: chr9-105615366-A-T. GRCh37 (hg19) VCF-style: chr9-108377647-A-T.
Other names: c.869A>T, p.Lys290Ile (NM_001198963.2, NM_001351496.2, NM_001351498.2 and 1 more transcripts); c.800A>T, p.Lys267Ile (NM_001351497.2); c.473A>T, p.Lys158Ile (NM_001351499.2, NM_001351500.2, NM_001351501.2 and 1 more transcripts); short protein forms K290I, K267I, K158I.
Identifiers: ClinVar variation 265152 (VCV000265152.24), dbSNP rs755092516, ClinGen allele CA5170509.

ClinVar aggregate classification (germline): Conflicting classifications of pathogenicity. Review status: criteria provided, conflicting classifications (1 of 4 stars). 8 submissions from 8 submitters: Uncertain significance (4); Likely benign (3). 1 of the submissions does not count toward it. Last evaluated 2026-01-18.

Conditions:
FKTN-related disorder. Also called: FKTN-related condition; FKTN-related disorders.
Walker-Warburg congenital muscular dystrophy. Also called: Muscular dystrophy-dystroglycanopathy, type A; Walker-Warburg syndrome. Identifiers: Orphanet 899, MedGen C0265221, MONDO:0000171.
Cardiovascular phenotype. Identifiers: MedGen CN230736.
Hypertrophic cardiomyopathy. Also called: HYPERTROPHIC MYOCARDIOPATHY. Identifiers: Orphanet 217569, MedGen C0007194, MeSH D002312, MONDO:0005045, HP:0001639.

Allele frequency attached by ClinVar (database versions not stated): gnomAD 0.00005 and 0.00006; gnomAD exomes 0.00012 and 0.00026; TOPMed 0.00012; ExAC 0.00016.
gnomAD v4.1: 82 of 1,613,936 alleles (0.0051%); highest among the groups gnomAD compares: Admixed American, 0.14%; no homozygotes.

Submissions (8):

Labcorp Genetics (formerly Invitae), Labcorp
Classification: Likely benign for Walker-Warburg congenital muscular dystrophy. Last evaluated: 2026-01-18. Review status: criteria provided, single submitter. Criteria: Invitae Variant Classification Sherloc (09022015). Collection method: clinical testing. Allele origin: germline.

Women's Health and Genetics/Laboratory Corporation of America, LabCorp
Classification: Uncertain significance. Last evaluated: 2025-03-14. Review status: criteria provided, single submitter. Criteria: LabCorp Variant Classification Summary - May 2015. Collection method: clinical testing. Allele origin: germline.
Comment: Variant summary: FKTN c.869A>T (p.Lys290Ile) results in a non-conservative amino acid change in the encoded protein sequence. Four of five in-silico tools predict a benign effect of the variant on protein function. The variant allele was found at a frequency of 0.00026 in 251468 control chromosomes, predominantly at a frequency of 0.0019 within the Latino subpopulation in the gnomAD database. This frequency is not significantly higher than estimated for a pathogenic variant in FKTN causing Dilated Cardiomyopathy (0.00026 vs 0.004), allowing no conclusion about variant significance. c.869A>T has been reported in the literature in at least one case of sudden cardiac death without evidence for causailty (e.g. Bagnall_2016). These report(s) do not provide unequivocal conclusions about association of the variant with Dilated Cardiomyopathy. To our knowledge, no experimental evidence demonstrating an impact on protein function has been reported. The following publication has been ascertained in the context of this evaluation (PMID: 27332903). ClinVar contains an entry for this variant (Variation ID: 265152). Based on the evidence outlined above, the variant was classified as uncertain significance.

Revvity Omics, Revvity
Classification: Uncertain significance. Last evaluated: 2024-04-22. Review status: criteria provided, single submitter. Criteria: ACMG Guidelines, 2015. Collection method: clinical testing. Allele origin: germline.

Ambry Genetics
Classification: Likely benign for Cardiovascular phenotype. Last evaluated: 2024-01-24. Review status: criteria provided, single submitter. Criteria: Ambry Variant Classification Scheme 2023. Collection method: clinical testing. Allele origin: germline.

GeneDx
Classification: Uncertain significance. Last evaluated: 2019-10-28. Review status: criteria provided, single submitter. Criteria: GeneDx Variant Classification Process June 2021. Collection method: clinical testing. Allele origin: germline. Affected: yes.
Comment: In silico analysis, which includes protein predictors and evolutionary conservation, supports a deleterious effect; This variant is associated with the following publications: (PMID: 27332903)

Center for Advanced Laboratory Medicine, UC San Diego Health, University of California San Diego
Classification: Likely benign for Hypertrophic cardiomyopathy. Last evaluated: 2019-02-05. Review status: criteria provided, single submitter. Criteria: ACMG Guidelines, 2015. Collection method: clinical testing. Allele origin: germline. Affected: yes. Observed: 1 variant allele.

Stanford Center for Inherited Cardiovascular Disease, Stanford University
Classification: Uncertain significance. Last evaluated: 2017-06-12. Review status: criteria provided, single submitter. Criteria: ACMG Guidelines, 2015. Collection method: provider interpretation. Allele origin: germline.

PreventionGenetics, part of Exact Sciences
Classification: Likely benign for FKTN-related condition. Last evaluated: 2023-04-17. Review status: no assertion criteria provided. Collection method: clinical testing. Allele origin: germline. Not counted in ClinVar's aggregate classification.
Comment: This variant is classified as likely benign based on ACMG/AMP sequence variant interpretation guidelines (Richards et al. 2015 PMID: 25741868, with internal and published modifications).

Literature cited by the submitters: PubMed 27332903 (cited by Women's Health and Genetics/Laboratory Corporation of America, LabCorp).